The following is an entry in ClinVar:

ClinVar aggregate classification (germline): Uncertain significance. Review status: criteria provided, multiple submitters, no conflicts (2 of 4 stars). 2 submissions from 2 submitters: Uncertain significance (2). Last evaluated 2024-12-25.

Conditions:
Fanconi anemia (FA). Also called: Fanconi's anemia. Identifiers: Orphanet 84, MedGen C0015625, MeSH D005199, MONDO:0019391.
Fanconi anemia complementation group P. Also called: SLX4-Related Fanconi Anemia. Identifiers: Orphanet 84, MedGen C3469542, MONDO:0013499, OMIM 613951.

gnomAD v4.1: 16 of 1,614,058 alleles (0.00099%); highest among the groups gnomAD compares: Admixed American, 0.0083%; no homozygotes.

Submissions (2):

Labcorp Genetics (formerly Invitae), Labcorp
Classification: Uncertain significance for Fanconi anemia. Last evaluated: 2024-12-25. Review status: criteria provided, single submitter. Criteria: Invitae Variant Classification Sherloc (09022015). Collection method: clinical testing. Allele origin: germline.
Comment: This sequence change replaces alanine, which is neutral and non-polar, with valine, which is neutral and non-polar, at codon 440 of the SLX4 protein (p.Ala440Val). This variant is present in population databases (rs761726340, gnomAD 0.004%). This variant has not been reported in the literature in individuals affected with SLX4-related conditions. An algorithm developed to predict the effect of missense changes on protein structure and function outputs the following: PolyPhen-2: "Benign". The valine amino acid residue is found in multiple mammalian species, which suggests that this missense change does not adversely affect protein function. In summary, the available evidence is currently insufficient to determine the role of this variant in disease. Therefore, it has been classified as a Variant of Uncertain Significance.

Fulgent Genetics
Classification: Uncertain significance for Fanconi anemia complementation group P. Last evaluated: 2024-06-09. Review status: criteria provided, single submitter. Criteria: ACMG Guidelines, 2015. Collection method: clinical testing. Allele origin: germline.

NM_032444.4(SLX4):c.1319C>T (p.Ala440Val)

Gene: SLX4 (SLX4 structure-specific endonuclease subunit; minus strand). Cytogenetic location: 16p13.3.
Variant type: single nucleotide variant.
Coding change: c.1319C>T on transcript NM_032444.4 (MANE Select); coding-DNA position 1319, C replaced by T.
Protein change: p.Ala440Val; replaces alanine 440 with valine.
Molecular consequence: missense variant.
Genome position (GRCh38, 1-based): chr16:3,597,844, G>A on the plus strand (C>T on the coding strand, the complement: SLX4 is on the minus strand). VCF-style: chr16-3597844-G-A. GRCh37 (hg19) VCF-style: chr16-3647845-G-A.
Other names: short protein forms A440V.
Identifiers: ClinVar variation 3580536 (VCV003580536.2).